The following is an entry in ClinVar:

ClinVar aggregate classification (germline): Uncertain significance (1 of 4 stars; one submission).

Conditions:
Aculeiform cataract (CTRCT4). Also called: Fasciculiform cataract; Frosted cataract; Needle-shaped cataract. Identifiers: MedGen C1861832, HP:0010926.

Submission:

Labcorp Genetics (formerly Invitae), Labcorp
Classification: Uncertain significance for Aculeiform cataract. Last evaluated: 2017-11-09. Review status: criteria provided, single submitter. Criteria: Invitae Variant Classification Sherloc (09022015). Collection method: clinical testing. Allele origin: germline.
Comment: This variant has not been reported in the literature in individuals with CRYGD-related disease. In summary, the available evidence is currently insufficient to determine the role of this variant in disease. Therefore, it has been classified as a Variant of Uncertain Significance. The current clinical and genetic evidence is not sufficient to establish whether loss-of-function variants in CRYGD cause disease. This variant is not present in population databases (ExAC no frequency). This sequence change creates a premature translational stop signal (p.Arg10Profs*9) in the CRYGD gene. It is expected to result in an absent or disrupted protein product.

NM_006891.4(CRYGD):c.22_26delinsCCTTGCAGATCAC (p.Glu8fs)

Genes: CRYGD (crystallin gamma D; minus strand), LOC100507443 (uncharacterized LOC100507443; plus strand). Cytogenetic location: 2q33.3.
Variant type: Indel.
Coding change: c.22_26delinsCCTTGCAGATCAC on transcript NM_006891.4 (MANE Select); coding-DNA positions 22 to 26, GAGGA replaced by CCTTGCAGATCAC.
Protein change: p.Glu8fs; shifts the reading frame from glutamic acid 8.
Molecular consequence: frameshift variant.
Genome position (GRCh38, 1-based): chr2:208,124,338-208,124,342, TCCTC replaced by GTGATCTGCAAGG on the plus strand (GAGGA replaced by CCTTGCAGATCAC on the coding strand, the reverse complement: CRYGD is on the minus strand). VCF-style: chr2-208124338-TCCTC-GTGATCTGCAAGG. GRCh37 (hg19) VCF-style: chr2-208989062-TCCTC-GTGATCTGCAAGG.
Other names: short protein forms E8fs.
Identifiers: ClinVar variation 468228 (VCV000468228.6), dbSNP rs1553584085, ClinGen allele CA658657201.
Genomic context (GRCh38, chr2:208,124,338, plus strand): 5'-TAGGGCTGCAGGTTGGGGTGGTCGCTGCTGCATTCATAGTGGCGGCCCTGGAAGCCCCGG[TCCTC>GTGATCTGCAAGG]GTAGAGGGTGATCTGCAAGGCAAGGCGGGACAAGGCGAGGTCTCACAGGCCTGCTCCTGC-3'